The following is an entry in ClinVar:

ClinVar aggregate classification (germline): Uncertain significance (1 of 4 stars; one submission).

gnomAD v4.1: 1 of 1,612,446 alleles (0.000062%); highest among the groups gnomAD compares: African/African-American, 0.0013%; no homozygotes.

Submission:

Mayo Clinic Laboratories, Mayo Clinic
Classification: Uncertain significance. Last evaluated: 2024-03-05. Review status: criteria provided, single submitter. Criteria: ACMG Guidelines, 2015. Collection method: clinical testing. Allele origin: germline. Observed: 1 variant allele.
Comment: BP4

NM_030787.4(CFHR5):c.1159C>A (p.Gln387Lys)

Gene: CFHR5 (complement factor H related 5; plus strand). Cytogenetic location: 1q31.3.
Variant type: single nucleotide variant.
Coding change: c.1159C>A on transcript NM_030787.4 (MANE Select); coding-DNA position 1159, C replaced by A.
Protein change: p.Gln387Lys; replaces glutamine 387 with lysine.
Molecular consequence: missense variant.
Genome position (GRCh38, 1-based): chr1:197,002,493, C>A. VCF-style: chr1-197002493-C-A. GRCh37 (hg19) VCF-style: chr1-196971623-C-A.
Other names: p.Gln387Lys; short protein forms Q387K.
Identifiers: ClinVar variation 3380472 (VCV003380472.1).
Genomic context (GRCh38, chr1:197,002,493, plus strand): 5'-TTTTACTTAACTTTTATTAATCATATAATTTAATTCCAATATTTTGTAGAAAAAAGGGAA[C>A]AATTCTGCCCACCGCCACCTCAGATACCTAATGCTCAGAATATGACAACCACAGTGAATT-3'
Protein context (NP_110414.1, residues 377-397): PEVDCTEKRE[Gln387Lys]FCPPPPQIPN